The following is an entry in ClinVar:

NM_033305.3(VPS13A):c.2096A>G (p.Lys699Arg)

Gene: VPS13A (vacuolar protein sorting 13 homolog A; plus strand). Cytogenetic location: 9q21.2.
Variant type: single nucleotide variant.
Coding change: c.2096A>G on transcript NM_033305.3 (MANE Select); coding-DNA position 2096, A replaced by G.
Protein change: p.Lys699Arg; replaces lysine 699 with arginine.
Molecular consequence: missense variant.
Genome position (GRCh38, 1-based): chr9:77,250,155, A>G. VCF-style: chr9-77250155-A-G. GRCh37 (hg19) VCF-style: chr9-79865071-A-G.
Other names: c.2096A>G, p.Lys699Arg (NM_001018037.2, NM_001018038.3, NM_015186.4); short protein forms K699R.
Identifiers: ClinVar variation 3572607 (VCV003572607.1).
Genomic context (GRCh38, chr9:77,250,155, plus strand): 5'-AGGTGACGAGTAAAAGTCGTTCTGAATTACCAGATGTGAAACAAGGTGAGGCCAATCTTA[A>G]AGAGATAATGGATAGAGCTTATGATTCATTTGATATTCAACTTACAAGTGTACAGCTGCT-3'
Protein context (NP_150648.2, residues 689-709): PDVKQGEANL[Lys699Arg]EIMDRAYDSF

ClinVar aggregate classification (germline): Uncertain significance (1 of 4 stars; one submission).

Submission:

GeneDx
Classification: Uncertain significance. Last evaluated: 2024-07-09. Review status: criteria provided, single submitter. Criteria: GeneDx Variant Classification Process June 2021. Collection method: clinical testing. Allele origin: germline. Affected: yes.
Comment: Not observed at significant frequency in large population cohorts (gnomAD); In silico analysis indicates that this missense variant does not alter protein structure/function; Has not been previously published as pathogenic or benign to our knowledge